The following is an entry in ClinVar:

NM_033026.6(PCLO):c.13514A>C (p.Asp4505Ala)

Gene: PCLO (piccolo presynaptic cytomatrix protein; minus strand). Cytogenetic location: 7q21.11.
Variant type: single nucleotide variant.
Coding change: c.13514A>C on transcript NM_033026.6 (MANE Select); coding-DNA position 13514, A replaced by C.
Protein change: p.Asp4505Ala; replaces aspartic acid 4505 with alanine.
Molecular consequence: missense variant.
Genome position (GRCh38, 1-based): chr7:82,902,665, T>G on the plus strand (A>C on the coding strand, the complement: PCLO is on the minus strand). VCF-style: chr7-82902665-T-G. GRCh37 (hg19) VCF-style: chr7-82531981-T-G.
Other names: c.13514A>C, p.Asp4505Ala (NM_014510.3); short protein forms D4505A.
Identifiers: ClinVar variation 1441480 (VCV001441480.5), dbSNP rs984963487, ClinGen allele CA161115603.

ClinVar aggregate classification (germline): Uncertain significance (1 of 4 stars; one submission).

Allele frequency attached by ClinVar (database versions not stated): TOPMed below 0.00001; gnomAD exomes 0.00001.
gnomAD v4.1: 15 of 1,582,418 alleles (0.00095%); highest among the groups gnomAD compares: Non-Finnish European, 0.0012%; no homozygotes.

Submission:

Labcorp Genetics (formerly Invitae), Labcorp
Classification: Uncertain significance. Last evaluated: 2024-09-30. Review status: criteria provided, single submitter. Criteria: Invitae Variant Classification Sherloc (09022015). Collection method: clinical testing. Allele origin: germline.
Comment: This sequence change replaces aspartic acid, which is acidic and polar, with alanine, which is neutral and non-polar, at codon 4505 of the PCLO protein (p.Asp4505Ala). This variant is present in population databases (no rsID available, gnomAD 0.003%). This variant has not been reported in the literature in individuals affected with PCLO-related conditions. ClinVar contains an entry for this variant (Variation ID: 1441480). Experimental studies and prediction algorithms are not available or were not evaluated, and the functional significance of this variant is currently unknown. In summary, the available evidence is currently insufficient to determine the role of this variant in disease. Therefore, it has been classified as a Variant of Uncertain Significance.